The following is an entry in ClinVar:

ClinVar aggregate classification (germline): Pathogenic (1 of 4 stars; one submission).

Conditions:
Hereditary spastic paraplegia 49 (HSAN9). Also called: TECPR2-Related Hereditary Sensory and Autonomic Neuropathy with Intellectual Disability; Spastic paraplegia 49, autosomal recessive; NEUROPATHY, HEREDITARY SENSORY AND AUTONOMIC, TYPE IX, WITH DEVELOPMENTAL DELAY. Identifiers: Orphanet 320385, MedGen C5190860, MONDO:0014016, OMIM 615031.

Submission:

Victorian Clinical Genetics Services, Murdoch Childrens Research Institute
Classification: Pathogenic for Hereditary spastic paraplegia 49. Last evaluated: 2025-11-06. Review status: criteria provided, single submitter. Criteria: ACMG Guidelines, 2015. Collection method: clinical testing. Allele origin: germline. Affected: yes.
Comment: This variant is classified as Pathogenic. Evidence in support of pathogenic classification: Splice site variant proven to affect splicing of the transcript with a known effect on protein sequence. RNA sequencing has demonstrated this variant results in the in-frame skipping of exon 4 (The Australian Undiagnosed Disease Network, Murdoch Children's Research Institute, Victoria, Australia). - Variant is absent from gnomAD (v2, v3 and v4); This variant has moderate functional evidence supporting abnormal protein function. Proteomic analysis on compound heterozygous patient cells reveals complete absence of TECPR2 protein; however, the possibility that absence of TECPR2 may be due to the impact of a single variant cannot be excluded (MitoMDT Consortium, Victoria, Australia); Additional information: This variant is heterozygous; This gene is associated with autosomal recessive disease; This variant has no previous evidence of pathogenicity; No published segregation evidence has been identified for this variant; No comparable splice site variants have previous evidence for pathogenicity; Variant truncates part of the HPS5 beta propellor domain (DECIPHER); Loss of function is a known mechanism of disease in this gene and is associated with neuropathy, hereditary sensory and autonomic, type IX, with developmental delay (MIM#615031).

NM_014844.5(TECPR2):c.480G>A (p.Gln160=)

Gene: TECPR2 (tectonin beta-propeller repeat containing 2; plus strand). Cytogenetic location: 14q32.31.
Variant type: single nucleotide variant.
Coding change: c.480G>A on transcript NM_014844.5 (MANE Select); coding-DNA position 480, G replaced by A.
Protein change: p.Gln160=; no amino-acid change (glutamine 160 retained).
Molecular consequence: synonymous variant.
Genome position (GRCh38, 1-based): chr14:102,408,619, G>A. VCF-style: chr14-102408619-G-A. GRCh37 (hg19) VCF-style: chr14-102874956-G-A.
Other names: c.480G>A, p.Gln160= (NM_001172631.3).
Identifiers: ClinVar variation 3376701 (VCV003376701.2).